The following is an entry in ClinVar:

ClinVar aggregate classification (germline): Uncertain significance (1 of 4 stars; one submission).

Submission:

CeGaT Center for Human Genetics Tuebingen
Classification: Uncertain significance. Last evaluated: 2025-06-01. Review status: criteria provided, single submitter. Criteria: CeGaT Center For Human Genetics Tuebingen Variant Classification Criteria Version 2. Collection method: clinical testing. Allele origin: germline. Affected: yes. Observed: 1 variant allele.
Comment: CNTNAP2: PM2

NM_014141.6(CNTNAP2):c.86C>T (p.Pro29Leu)

Gene: CNTNAP2 (contactin associated protein 2; plus strand). Cytogenetic location: 7q35.
Variant type: single nucleotide variant.
Coding change: c.86C>T on transcript NM_014141.6 (MANE Select); coding-DNA position 86, C replaced by T.
Protein change: p.Pro29Leu; replaces proline 29 with leucine.
Molecular consequence: missense variant.
Genome position (GRCh38, 1-based): chr7:146,116,962, C>T. VCF-style: chr7-146116962-C-T. GRCh37 (hg19) VCF-style: chr7-145814054-C-T.
Other names: short protein forms P29L.
Identifiers: ClinVar variation 4085138 (VCV004085138.8).